The following is an entry in ClinVar:

NM_000135.4(FANCA):c.2050C>G (p.Leu684Val)

Gene: FANCA (FA complementation group A; minus strand). Cytogenetic location: 16q24.3.
Variant type: single nucleotide variant.
Coding change: c.2050C>G on transcript NM_000135.4 (MANE Select); coding-DNA position 2050, C replaced by G.
Protein change: p.Leu684Val; replaces leucine 684 with valine.
Molecular consequence: missense variant.
Genome position (GRCh38, 1-based): chr16:89,771,779, G>C on the plus strand (C>G on the coding strand, the complement: FANCA is on the minus strand). VCF-style: chr16-89771779-G-C. GRCh37 (hg19) VCF-style: chr16-89838187-G-C.
Other names: c.2050C>G, p.Leu684Val (NM_001286167.3); short protein forms L684V.
Identifiers: ClinVar variation 1057695 (VCV001057695.9), dbSNP rs1284083461, ClinGen allele CA397448598.

ClinVar aggregate classification (germline): Uncertain significance (1 of 4 stars; one submission).

Conditions:
Fanconi anemia (FA). Also called: Fanconi's anemia. Identifiers: Orphanet 84, MedGen C0015625, MeSH D005199, MONDO:0019391.

Submission:

Labcorp Genetics (formerly Invitae), Labcorp
Classification: Uncertain significance for Fanconi anemia. Last evaluated: 2020-10-02. Review status: criteria provided, single submitter. Criteria: Invitae Variant Classification Sherloc (09022015). Collection method: clinical testing. Allele origin: germline.
Comment: In summary, the available evidence is currently insufficient to determine the role of this variant in disease. Therefore, it has been classified as a Variant of Uncertain Significance. Algorithms developed to predict the effect of sequence changes on RNA splicing suggest that this variant may create or strengthen a splice site, but this prediction has not been confirmed by published transcriptional studies. Advanced modeling of protein sequence and biophysical properties (such as structural, functional, and spatial information, amino acid conservation, physicochemical variation, residue mobility, and thermodynamic stability) performed at Invitae indicates that this missense variant is expected to disrupt FANCA protein function. This variant has not been reported in the literature in individuals with FANCA-related conditions. This variant is not present in population databases (ExAC no frequency). This sequence change replaces leucine with valine at codon 684 of the FANCA protein (p.Leu684Val). The leucine residue is highly conserved and there is a small physicochemical difference between leucine and valine.